The following is an entry in ClinVar:

ClinVar aggregate classification (germline): Uncertain significance (1 of 4 stars; one submission).

gnomAD v4.1: 1 of 1,611,188 alleles (0.000062%); highest among the groups gnomAD compares: Non-Finnish European, 0.000085%; no homozygotes.

Submission:

Labcorp Genetics (formerly Invitae), Labcorp
Classification: Uncertain significance. Last evaluated: 2024-06-17. Review status: criteria provided, single submitter. Criteria: Invitae Variant Classification Sherloc (09022015). Collection method: clinical testing. Allele origin: germline.
Comment: This sequence change replaces proline, which is neutral and non-polar, with arginine, which is basic and polar, at codon 215 of the NTHL1 protein (p.Pro215Arg). This variant is not present in population databases (gnomAD no frequency). This variant has not been reported in the literature in individuals affected with NTHL1-related conditions. An algorithm developed to predict the effect of missense changes on protein structure and function (PolyPhen-2) suggests that this variant is likely to be disruptive. In summary, the available evidence is currently insufficient to determine the role of this variant in disease. Therefore, it has been classified as a Variant of Uncertain Significance.

NM_002528.7(NTHL1):c.620C>G (p.Pro207Arg)

Gene: NTHL1 (nth like DNA glycosylase 1; minus strand). Cytogenetic location: 16p13.3.
Variant type: single nucleotide variant.
Coding change: c.620C>G on transcript NM_002528.7 (MANE Select); coding-DNA position 620, C replaced by G.
Protein change: p.Pro207Arg; replaces proline 207 with arginine.
Molecular consequence: missense variant.
Genome position (GRCh38, 1-based): chr16:2,043,632, G>C on the plus strand (C>G on the coding strand, the complement: NTHL1 is on the minus strand). VCF-style: chr16-2043632-G-C. GRCh37 (hg19) VCF-style: chr16-2093633-G-C.
Other names: c.449C>G, p.Pro150Arg (NM_001318193.2); c.290C>G, p.Pro97Arg (NM_001318194.2); short protein forms P150R, P97R, P207R.
Identifiers: ClinVar variation 3656813 (VCV003656813.2).